The following is an entry in ClinVar:

NM_000751.3(CHRND):c.1480T>C (p.Tyr494His)

Gene: CHRND (cholinergic receptor nicotinic delta subunit; plus strand). Cytogenetic location: 2q37.1.
Variant type: single nucleotide variant.
Coding change: c.1480T>C on transcript NM_000751.3 (MANE Select); coding-DNA position 1480, T replaced by C.
Protein change: p.Tyr494His; replaces tyrosine 494 with histidine.
Molecular consequence: missense variant.
Genome position (GRCh38, 1-based): chr2:232,535,238, T>C. VCF-style: chr2-232535238-T-C. GRCh37 (hg19) VCF-style: chr2-233399948-T-C.
Other names: c.1435T>C, p.Tyr479His (NM_001256657.2); c.898T>C, p.Tyr300His (NM_001311195.2); c.1177T>C, p.Tyr393His (NM_001311196.2); short protein forms Y393H, Y300H, Y479H, Y494H.
Identifiers: ClinVar variation 648856 (VCV000648856.10), dbSNP rs368695808, ClinGen allele CA2168369.

ClinVar aggregate classification (germline): Conflicting classifications of pathogenicity. Review status: criteria provided, conflicting classifications (1 of 4 stars). 3 submissions from 3 submitters: Uncertain significance (2); Likely benign (1). Last evaluated 2026-01-29.

Conditions:
Lethal multiple pterygium syndrome (LMPS). Identifiers: Orphanet 33108, MedGen C1854678, MONDO:0009668, OMIM 253290.

Allele frequency attached by ClinVar (database versions not stated): gnomAD exomes 0.00005; ExAC 0.00006; gnomAD 0.00013; ESP Exome Variant Server 0.00015; TOPMed 0.00024; 1000 Genomes Project 30x 0.00047; 1000 Genomes Project 0.00060.

Submissions (3):

Labcorp Genetics (formerly Invitae), Labcorp
Classification: Likely benign for Lethal multiple pterygium syndrome. Last evaluated: 2026-01-29. Review status: criteria provided, single submitter. Criteria: Invitae Variant Classification Sherloc (09022015). Collection method: clinical testing. Allele origin: germline.

3billion
Classification: Uncertain significance for Lethal multiple pterygium syndrome. Last evaluated: 2022-03-22. Review status: criteria provided, single submitter. Criteria: ACMG Guidelines, 2015. Collection method: clinical testing. Allele origin: germline. Affected: yes. Observed: 1 heterozygote.
Comment: The variant is observed at an extremely low frequency in the gnomAD v2.1.1 dataset (total allele frequency:0.0000634). In silico tool predictions suggest damaging effect of the variant on gene or gene product (REVEL: 0.795>=0.6). A missense variant is a common mechanism . Therefore, this variant is classified as uncertain significance according to the recommendation of ACMG/AMP guideline.

Revvity Omics, Revvity
Classification: Uncertain significance. Last evaluated: 2022-01-24. Review status: criteria provided, single submitter. Criteria: ACMG Guidelines, 2015. Collection method: clinical testing. Allele origin: germline.